The following is an entry in ClinVar:

NM_001041.4(SI):c.770C>T (p.Thr257Ile)

Gene: SI (sucrase-isomaltase; minus strand). Cytogenetic location: 3q26.1.
Variant type: single nucleotide variant.
Coding change: c.770C>T on transcript NM_001041.4 (MANE Select); coding-DNA position 770, C replaced by T.
Protein change: p.Thr257Ile; replaces threonine 257 with isoleucine.
Molecular consequence: missense variant.
Genome position (GRCh38, 1-based): chr3:165,065,298, G>A on the plus strand (C>T on the coding strand, the complement: SI is on the minus strand). VCF-style: chr3-165065298-G-A. GRCh37 (hg19) VCF-style: chr3-164783086-G-A.
Other names: short protein forms T257I.
Identifiers: ClinVar variation 1932915 (VCV001932915.2), dbSNP rs1407054313, ClinGen allele CA355032651.
Genomic context (GRCh38, chr3:165,065,298, plus strand): 5'-TAACAAGAAAAATAATTTCTTACATCACCAGGAAGTTGGTCTCGAGTAAAAATTGGCCAT[G>A]TTTTCCAGGATAAATCATGACGAAATCTCTTATGAACTTGTTCTCCAATACCATAAATAT-3'
Protein context (NP_001032.2, residues 247-267): KRFRHDLSWK[Thr257Ile]WPIFTRDQLP

ClinVar aggregate classification (germline): Uncertain significance (1 of 4 stars; one submission).

gnomAD v4.1: 1 of 1,608,484 alleles (0.000062%); highest among the groups gnomAD compares: Non-Finnish European, 0.000085%; no homozygotes.

Submission:

Labcorp Genetics (formerly Invitae), Labcorp
Classification: Uncertain significance. Last evaluated: 2022-04-05. Review status: criteria provided, single submitter. Criteria: Invitae Variant Classification Sherloc (09022015). Collection method: clinical testing. Allele origin: germline.
Comment: This sequence change replaces threonine, which is neutral and polar, with isoleucine, which is neutral and non-polar, at codon 257 of the SI protein (p.Thr257Ile). This variant is not present in population databases (gnomAD no frequency). This variant has not been reported in the literature in individuals affected with SI-related conditions. Advanced modeling of protein sequence and biophysical properties (such as structural, functional, and spatial information, amino acid conservation, physicochemical variation, residue mobility, and thermodynamic stability) performed at Invitae indicates that this missense variant is expected to disrupt SI protein function. In summary, the available evidence is currently insufficient to determine the role of this variant in disease. Therefore, it has been classified as a Variant of Uncertain Significance.